The following is an entry in ClinVar:

ClinVar aggregate classification (germline): Pathogenic (1 of 4 stars; one submission).

Conditions:
Early-infantile DEE. Also called: Early infantile epileptic encephalopathy; Ohtahara syndrome; Early infantile epileptic encephalopathy with suppression bursts. Identifiers: Orphanet 1934, MedGen C0393706, MONDO:0800491.

Submission:

Labcorp Genetics (formerly Invitae), Labcorp
Classification: Pathogenic for Early-infantile DEE. Last evaluated: 2022-03-21. Review status: criteria provided, single submitter. Criteria: Invitae Variant Classification Sherloc (09022015). Collection method: clinical testing. Allele origin: germline.
Comment: This sequence change creates a premature translational stop signal (p.Leu203Profs*60) in the KCNQ2 gene. It is expected to result in an absent or disrupted protein product. Loss-of-function variants in KCNQ2 are known to be pathogenic (PMID: 14534157, 23692823, 27779742). This variant is not present in population databases (gnomAD no frequency). This variant has not been reported in the literature in individuals affected with KCNQ2-related conditions. Algorithms developed to predict the effect of sequence changes on RNA splicing suggest that this variant may create or strengthen a splice site. For these reasons, this variant has been classified as Pathogenic.

Literature cited by the submitters: PubMed 14534157; PubMed 23692823; PubMed 27779742.

NM_172107.4(KCNQ2):c.605dup (p.Leu203fs)

Gene: KCNQ2 (potassium voltage-gated channel subfamily Q member 2; minus strand). Cytogenetic location: 20q13.33.
Variant type: Duplication.
Coding change: c.605dup on transcript NM_172107.4 (MANE Select); coding-DNA position 605, one base duplicated (T; older notation c.605dupT).
Protein change: p.Leu203fs; shifts the reading frame from leucine 203.
Molecular consequence: frameshift variant.
Genome position (GRCh38, 1-based): chr20:63,444,744, A duplicated on the plus strand (T on the coding strand, the reverse complement: KCNQ2 is on the minus strand); the first of 2 consecutive A bases (chr20:63,444,744-63,444,745); duplicating either gives the same sequence. VCF-style (leftmost placement, unchanged base first): chr20-63444743-G-GA. GRCh37 (hg19) VCF-style: chr20-62076096-G-GA.
Other names: c.605dup, p.Leu203fs (NM_001382235.1, NM_004518.6, NM_172106.3 and 2 more transcripts); short protein forms L203fs.
Identifiers: ClinVar variation 2115586 (VCV002115586.4), dbSNP rs2516503480, ClinGen allele CA2580098398.